The following is an entry in ClinVar:

NM_001101.5(ACTB):c.583G>C (p.Glu195Gln)

Gene: ACTB (actin beta; minus strand). Cytogenetic location: 7p22.1.
Variant type: single nucleotide variant.
Coding change: c.583G>C on transcript NM_001101.5 (MANE Select); coding-DNA position 583, G replaced by C.
Protein change: p.Glu195Gln; replaces glutamic acid 195 with glutamine.
Molecular consequence: missense variant.
Genome position (GRCh38, 1-based): chr7:5,528,500, C>G on the plus strand (G>C on the coding strand, the complement: ACTB is on the minus strand). VCF-style: chr7-5528500-C-G. GRCh37 (hg19) VCF-style: chr7-5568131-C-G.
Other names: short protein forms E195Q.
Identifiers: ClinVar variation 3255176 (VCV003255176.2), dbSNP rs1784813193.

ClinVar aggregate classification (germline): Uncertain significance (1 of 4 stars; one submission).

Conditions:
ACTB-associated syndromic thrombocytopenia (THC8). Also called: THROMBOCYTOPENIA 8, WITH DYSMORPHIC FEATURES AND DEVELOPMENTAL DELAY; THROMBOCYTOPENIA, AUTOSOMAL DOMINANT, 8. Identifiers: Orphanet 674653, MedGen C5882677, MONDO:0100433, OMIM 620475.

Submission:

Victorian Clinical Genetics Services, Murdoch Childrens Research Institute
Classification: Uncertain significance for ACTB-associated syndromic thrombocytopenia. Last evaluated: 2024-09-20. Review status: criteria provided, single submitter. Criteria: ACMG Guidelines, 2015. Collection method: clinical testing. Allele origin: germline. Inheritance: Autosomal dominant inheritance. Affected: yes.
Comment: Based on the classification scheme VCGS_Germline_v1.3.4, this variant is classified as VUS-3A. Following criteria are met: 0102 - Loss of function is a known mechanism of disease in this gene and is associated with thrombocytopenia 8, with dysmorphic features and developmental delay (MIM#620475). However, gain of function, dominant negative and loss of function are suggested mechanisms for variants associated with Baraitser-Winter syndrome (MIM#243310; PMID: 29220674). The mechanism of juvenile-onset dystonia (MIM#607371), caused by the recurring p.(Arg183Trp) variant, is unclear; however, gain of function has been suggested (PMID: 25255767). (I) 0107 - This gene is associated with autosomal dominant disease. (I) 0115 - Variants in this gene are known to have variable expressivity. High clinical variability has been observed between individuals with Baraitser-Winter syndrome who harbour the same variant (PMID: 26583190, 30315159). (I) 0200 - Variant is predicted to result in a missense amino acid change from glutamic acid to glutamine. (I) 0251 - This variant is heterozygous. (I) 0301 - Variant is absent from gnomAD (both v2 and v3). (SP) 0504 - Same amino acid change has been observed in placental mammals. (SB) 0603 - Missense variant in a region that is highly intolerant to missense variation (high constraint region in DECIPHER). (SP) 0703 - Another missense variant comparable to the one identified in this case has moderate previous evidence for pathogenicity. p.(Glu195Lys) has been classified as likely pathogenic in ClinVar, and has been observed as a de novo variant in an individual with dysmorphic features, cryptorchidism and respiratory distress, classified as likely pathogenic (PMID: 34948243). (SP) 0807 - This variant has no previous evidence of pathogenicity. (I) 0905 - No published segregation evidence has been identified for this variant. (I) 1007 - No published functional evidence has been identified for this variant. (I) Legend: (SP) - Supporting pathogenic, (I) - Information, (SB) - Supporting benign

Literature cited by the submitters: PubMed 25255767; PubMed 26583190; PubMed 29220674; PubMed 30315159; PubMed 34948243.